The following is an entry in ClinVar:

NM_002017.5(FLI1):c.252C>A (p.Ser84Arg)

Gene: FLI1 (Fli-1 proto-oncogene, ETS transcription factor; plus strand). Cytogenetic location: 11q24.3.
Variant type: single nucleotide variant.
Coding change: c.252C>A on transcript NM_002017.5 (MANE Select); coding-DNA position 252, C replaced by A.
Protein change: p.Ser84Arg; replaces serine 84 with arginine.
Molecular consequence: missense variant. On other transcripts: intron variant (1).
Genome position (GRCh38, 1-based): chr11:128,768,139, C>A. VCF-style: chr11-128768139-C-A. GRCh37 (hg19) VCF-style: chr11-128638034-C-A.
Other names: c.153C>A, p.Ser51Arg (NM_001167681.3); c.54C>A, p.Ser18Arg (NM_001271010.2); c.10+9813C>A (NM_001271012.2); short protein forms S18R, S51R, S84R.
Identifiers: ClinVar variation 2871476 (VCV002871476.3), dbSNP rs146694829, ClinGen allele CA6357017.

ClinVar aggregate classification (germline): Uncertain significance (1 of 4 stars; one submission).

Allele frequency attached by ClinVar (database versions not stated): 1000 Genomes Project 0.00020; ESP Exome Variant Server 0.00008; 1000 Genomes Project 30x 0.00016.
gnomAD v4.1: 13 of 1,613,414 alleles (0.00081%); highest among the groups gnomAD compares: African/African-American, 0.0027%; no homozygotes.

Submission:

Labcorp Genetics (formerly Invitae), Labcorp
Classification: Uncertain significance. Last evaluated: 2025-03-31. Review status: criteria provided, single submitter. Criteria: Invitae Variant Classification Sherloc (09022015). Collection method: clinical testing. Allele origin: germline.
Comment: This sequence change replaces serine, which is neutral and polar, with arginine, which is basic and polar, at codon 84 of the FLI1 protein (p.Ser84Arg). This variant is present in population databases (rs146694829, gnomAD 0.004%). This variant has not been reported in the literature in individuals affected with FLI1-related conditions. ClinVar contains an entry for this variant (Variation ID: 2871476). Invitae Evidence Modeling of protein sequence and biophysical properties (such as structural, functional, and spatial information, amino acid conservation, physicochemical variation, residue mobility, and thermodynamic stability) indicates that this missense variant is not expected to disrupt FLI1 protein function with a negative predictive value of 80%. In summary, the available evidence is currently insufficient to determine the role of this variant in disease. Therefore, it has been classified as a Variant of Uncertain Significance.